The following is an entry in ClinVar:

NM_001012720.2(RGR):c.19C>T (p.Leu7=)

Gene: RGR (retinal G protein coupled receptor; plus strand). Cytogenetic location: 10q23.1.
Variant type: single nucleotide variant.
Coding change: c.19C>T on transcript NM_001012720.2 (MANE Select); coding-DNA position 19, C replaced by T.
Protein change: p.Leu7=; no amino-acid change (leucine 7 retained).
Molecular consequence: synonymous variant.
Genome position (GRCh38, 1-based): chr10:84,245,109, C>T. VCF-style: chr10-84245109-C-T. GRCh37 (hg19) VCF-style: chr10-86004865-C-T.
Other names: c.19C>T, p.Leu7= (NM_001012722.2, NM_002921.4).
Identifiers: ClinVar variation 285753 (VCV000285753.19), dbSNP rs11200938, ClinGen allele CA5581269.
Genomic context (GRCh38, chr10:84,245,109, plus strand): 5'-AGCCAGAGACAGCTGGGCCACTGGCAGTGAGGGAGAGTGAGGATGGCAGAGACCAGTGCC[C>T]TGCCCACTGGCTTCGGGGAGCTCGAGGTGCTGGCTGTGGGGATGGTGCTACTGGTGGAAG-3'
Protein context (NP_001012738.1, residues 1-17): MAETSA[Leu7=]PTGFGELEVL

ClinVar aggregate classification (germline): Benign. Review status: criteria provided, multiple submitters, no conflicts (2 of 4 stars). 5 submissions from 5 submitters: Benign (5). Last evaluated 2026-02-03.

Conditions:
Retinitis pigmentosa (RP). Identifiers: Orphanet 791, MedGen C0035334, MeSH D012174, MONDO:0019200, OMIM 268000. Inheritance: Autosomal dominant, autosomal recessive and X linked inheritance.
Retinal dystrophy. Also called: Inherited retinal dystrophy. Identifiers: Orphanet 71862, MedGen C0854723, MeSH D058499, MONDO:0019118, HP:0000556.

Allele frequency attached by ClinVar (database versions not stated): 1000 Genomes Project 30x 0.03935; 1000 Genomes Project 0.03954; ESP Exome Variant Server 0.05790; TOPMed 0.05941; gnomAD 0.06408 and 0.06594; ExAC 0.07393; gnomAD exomes 0.07480 and 0.07839.

Submissions (5):

Labcorp Genetics (formerly Invitae), Labcorp
Classification: Benign. Last evaluated: 2026-02-03. Review status: criteria provided, single submitter. Criteria: Invitae Variant Classification Sherloc (09022015). Collection method: clinical testing. Allele origin: germline.

Dept Of Ophthalmology, Nagoya University
Classification: Benign for Retinal dystrophy. Last evaluated: 2023-10-01. Review status: criteria provided, single submitter. Criteria: Submitter's publication. Collection method: research. Allele origin: germline. Affected: yes.

Illumina Laboratory Services, Illumina
Classification: Benign for Retinitis pigmentosa. Last evaluated: 2018-01-13. Review status: criteria provided, single submitter. Criteria: ICSL Variant Classification Criteria 13 December 2019. Collection method: clinical testing. Allele origin: germline.
Comment: This variant was observed in the ICSL laboratory as part of a predisposition screen in an ostensibly healthy population. It had not been previously curated by ICSL or reported in the Human Gene Mutation Database (HGMD: prior to June 1st, 2018), and was therefore a candidate for classification through an automated scoring system. Utilizing variant allele frequency, disease prevalence and penetrance estimates, and inheritance mode, an automated score was calculated to assess if this variant is too frequent to cause the disease. Based on the score and internal cut-off values, a variant classified as benign is not then subjected to further curation. The score for this variant resulted in a classification of benign for this disease.

Eurofins Ntd Llc (ga)
Classification: Benign. Last evaluated: 2016-01-27. Review status: criteria provided, single submitter. Criteria: EGL Classification Definitions 2015. Collection method: clinical testing. Allele origin: germline. Observed: 5 variant alleles, 3 heterozygotes, 2 homozygotes.

Breakthrough Genomics
Classification: Benign. Review status: criteria provided, single submitter. Criteria: ACMG Guidelines, 2015. Collection method: not provided. Allele origin: germline. Inheritance: Unknown mechanism. Affected: yes.